The following is an entry in ClinVar:

ClinVar aggregate classification (germline): Uncertain significance (1 of 4 stars; one submission).

Conditions:
AHDC1-related intellectual disability - obstructive sleep apnea - mild dysmorphism syndrome. Also called: Xia-Gibbs syndrome. Identifiers: Orphanet 412069, MedGen C4014419, MONDO:0014358, OMIM 615829.

Submission:

Baylor Genetics
Classification: Uncertain significance for AHDC1-related intellectual disability - obstructive sleep apnea - mild dysmorphism syndrome. Last evaluated: 2019-11-27. Review status: criteria provided, single submitter. Criteria: ACMG Guidelines, 2015. Collection method: clinical testing. Allele origin: unknown. Affected: yes.
Comment: This variant was determined to be of uncertain significance according to ACMG Guidelines, 2015 [PMID:25741868].

NM_001371928.1(AHDC1):c.2966G>T (p.Gly989Val)

Gene: AHDC1 (AT-hook DNA binding motif containing 1; minus strand). Cytogenetic location: 1p36.11.
Variant type: single nucleotide variant.
Coding change: c.2966G>T on transcript NM_001371928.1 (MANE Select); coding-DNA position 2966, G replaced by T.
Protein change: p.Gly989Val; replaces glycine 989 with valine.
Molecular consequence: missense variant.
Genome position (GRCh38, 1-based): chr1:27,549,150, C>A on the plus strand (G>T on the coding strand, the complement: AHDC1 is on the minus strand). VCF-style: chr1-27549150-C-A. GRCh37 (hg19) VCF-style: chr1-27875661-C-A.
Other names: c.2966G>T, p.Gly989Val (NM_001029882.3); short protein forms G989V.
Identifiers: ClinVar variation 1030030 (VCV001030030.1), dbSNP rs1209079898, ClinGen allele CA339228877.
Genomic context (GRCh38, chr1:27,549,150, plus strand): 5'-GGGAGGCTGTTGCCACTGCCATAGGCGAAGCTGCAGTCCTTGCTGTTAGCGCAGTCCTGG[C>A]CTGTAAAGGGCTTAGTTGGGGCGAATACGCTTTGTCCGGCCCCATAGCCGCCGTACTGGG-3'
Protein context (NP_001358857.1, residues 979-999): SVFAPTKPFT[Gly989Val]QDCANSKDCS